The following is an entry in ClinVar:

ClinVar aggregate classification (germline): Uncertain significance (1 of 4 stars; one submission).

Conditions:
Combined immunodeficiency with skin granulomas. Identifiers: Orphanet 157949, MedGen C2673536, MONDO:0009306, OMIM 233650.
Severe combined immunodeficiency, autosomal recessive, T cell-negative, B cell-negative, NK cell-positive. Also called: SCID, AR, T-cell negative, B-cell negative, NK cell-positive; Severe combined immunodeficiency due to complete RAG1/2 deficiency; SCID, T CELL-NEGATIVE, B CELL-NEGATIVE, NK CELL-POSITIVE. Identifiers: Orphanet 331206, MedGen C1832322, MONDO:0011086, OMIM 601457.

Submission:

Labcorp Genetics (formerly Invitae), Labcorp
Classification: Uncertain significance for Combined immunodeficiency with skin granulomas; Severe combined immunodeficiency, autosomal recessive, T cell-negative, B cell-negative, NK cell-positive. Last evaluated: 2021-08-31. Review status: criteria provided, single submitter. Criteria: Invitae Variant Classification Sherloc (09022015). Collection method: clinical testing. Allele origin: germline.
Comment: This variant, c.1224_1226del, results in the deletion of 1 amino acid(s) of the RAG2 protein (p.Glu408del), but otherwise preserves the integrity of the reading frame. This variant is not present in population databases (ExAC no frequency). This variant has not been reported in the literature in individuals affected with RAG2-related conditions. Experimental studies and prediction algorithms are not available or were not evaluated, and the functional significance of this variant is currently unknown. In summary, the available evidence is currently insufficient to determine the role of this variant in disease. Therefore, it has been classified as a Variant of Uncertain Significance.

NM_000536.4(RAG2):c.1221AGA[1] (p.Glu408del)

Gene: RAG2 (recombination activating 2; minus strand). Cytogenetic location: 11p12.
Variant type: Microsatellite.
Coding change: c.1221AGA[1] on transcript NM_000536.4 (MANE Select); one copy of the 3-base unit AGA starting at c.1221; the reference has two copies in a row; one copy, 3 bases deleted.
Protein change: p.Glu408del; deletes glutamic acid 408.
Molecular consequence: inframe deletion.
Genome position (GRCh38, 1-based): chr11:36,592,943-36,592,945, TCT deleted on the plus strand (AGA on the coding strand, the reverse complement: RAG2 is on the minus strand); deleting any 3 consecutive bases within chr11:36,592,943-36,592,950 gives the same sequence; the position shown is the placement nearest the transcript's 3' end. VCF-style (leftmost placement, unchanged base first): chr11-36592942-ATCT-A. GRCh37 (hg19) VCF-style: chr11-36614492-ATCT-A.
Other names: c.1221AGA[1], p.Glu408del (NM_001243785.2, NM_001243786.2); short protein forms E408del.
Identifiers: ClinVar variation 1061876 (VCV001061876.6), dbSNP rs1485140631, ClinGen allele CA675995385.